The following is an entry in ClinVar:

ClinVar aggregate classification (germline): Uncertain significance. Review status: criteria provided, single submitter (1 of 4 stars). 2 submissions from 2 submitters: Uncertain significance (1). 1 of the submissions does not count toward it. Last evaluated 2021-08-13.

Conditions:
Congenital myasthenic syndrome 11. Also called: Myasthenic syndrome, congenital, 11, associated with acetylcholine receptor deficiency; MYASTHENIC SYNDROME, CONGENITAL, Ie. Identifiers: Orphanet 590, MedGen C4225367, MONDO:0014588, OMIM 616326.
Fetal akinesia deformation sequence 1 (FADS1). Also called: Pena-Shokeir syndrome type I; Fetal akinesia sequence. Identifiers: Orphanet 994, MedGen C1276035, MONDO:0100101, OMIM 208150, HP:0001989.
Congenital myasthenic syndrome (CMS). Also called: Congenital Myasthenic Syndromes. Identifiers: Orphanet 590, MedGen C0751882, MeSH D020294, MONDO:0018940.

Allele frequency attached by ClinVar (database versions not stated): gnomAD exomes below 0.00001; gnomAD 0.00001; TOPMed 0.00002.

Submissions (2):

Labcorp Genetics (formerly Invitae), Labcorp
Classification: Uncertain significance for Congenital myasthenic syndrome 11; Fetal akinesia deformation sequence 1. Last evaluated: 2021-08-13. Review status: criteria provided, single submitter. Criteria: Invitae Variant Classification Sherloc (09022015). Collection method: clinical testing. Allele origin: germline.
Comment: This sequence change replaces leucine with phenylalanine at codon 110 of the RAPSN protein (p.Leu110Phe). The leucine residue is highly conserved and there is a small physicochemical difference between leucine and phenylalanine. This variant is not present in population databases (ExAC no frequency). This variant has not been reported in the literature in individuals affected with RAPSN-related conditions. Algorithms developed to predict the effect of missense changes on protein structure and function are either unavailable or do not agree on the potential impact of this missense change (SIFT: "Deleterious"; PolyPhen-2: "Probably Damaging"; Align-GVGD: "Class C0"). In summary, the available evidence is currently insufficient to determine the role of this variant in disease. Therefore, it has been classified as a Variant of Uncertain Significance.

Natera, Inc.
Classification: Uncertain significance for Congenital myasthenic syndrome. Last evaluated: 2020-08-25. Review status: no assertion criteria provided. Collection method: clinical testing. Allele origin: germline. Not counted in ClinVar's aggregate classification.

NM_005055.5(RAPSN):c.328C>T (p.Leu110Phe)

Gene: RAPSN (receptor associated protein of the synapse; minus strand). Cytogenetic location: 11p11.2.
Variant type: single nucleotide variant.
Coding change: c.328C>T on transcript NM_005055.5 (MANE Select); coding-DNA position 328, C replaced by T.
Protein change: p.Leu110Phe; replaces leucine 110 with phenylalanine.
Molecular consequence: missense variant.
Genome position (GRCh38, 1-based): chr11:47,448,015, G>A on the plus strand (C>T on the coding strand, the complement: RAPSN is on the minus strand). VCF-style: chr11-47448015-G-A. GRCh37 (hg19) VCF-style: chr11-47469567-G-A.
Other names: c.328C>T, p.Leu110Phe (NM_032645.5); short protein forms L110F.
Identifiers: ClinVar variation 1001865 (VCV001001865.7), dbSNP rs1164228546, ClinGen allele CA380334403.